The following is an entry in ClinVar:

ClinVar aggregate classification (germline): Uncertain significance (1 of 4 stars; one submission).

Conditions:
Baller-Gerold syndrome (BGS). Also called: CRANIOSYNOSTOSIS WITH RADIAL DEFECTS. Identifiers: Orphanet 1225, MedGen C0265308, MONDO:0009039, OMIM 218600.

gnomAD v4.1: 1 of 1,612,278 alleles (0.000062%); highest among the groups gnomAD compares: African/African-American, 0.0013%; no homozygotes.

Submission:

Labcorp Genetics (formerly Invitae), Labcorp
Classification: Uncertain significance for Baller-Gerold syndrome. Last evaluated: 2024-01-16. Review status: criteria provided, single submitter. Criteria: Invitae Variant Classification Sherloc (09022015). Collection method: clinical testing. Allele origin: germline.
Comment: This sequence change replaces phenylalanine, which is neutral and non-polar, with leucine, which is neutral and non-polar, at codon 617 of the RECQL4 protein (p.Phe617Leu). This variant is not present in population databases (gnomAD no frequency). This variant has not been reported in the literature in individuals affected with RECQL4-related conditions. ClinVar contains an entry for this variant (Variation ID: 2420480). Advanced modeling of protein sequence and biophysical properties (such as structural, functional, and spatial information, amino acid conservation, physicochemical variation, residue mobility, and thermodynamic stability) performed at Invitae indicates that this missense variant is expected to disrupt RECQL4 protein function with a positive predictive value of 80%. Experimental studies have shown that this missense change affects RECQL4 function (PMID: 28653661). In summary, the available evidence is currently insufficient to determine the role of this variant in disease. Therefore, it has been classified as a Variant of Uncertain Significance.

Literature cited by the submitters: PubMed 28653661.

NM_004260.4(RECQL4):c.1851C>A (p.Phe617Leu)

Gene: RECQL4 (RecQ like helicase 4; minus strand). Cytogenetic location: 8q24.3.
Variant type: single nucleotide variant.
Coding change: c.1851C>A on transcript NM_004260.4 (MANE Select); coding-DNA position 1851, C replaced by A.
Protein change: p.Phe617Leu; replaces phenylalanine 617 with leucine.
Molecular consequence: missense variant.
Genome position (GRCh38, 1-based): chr8:144,514,216, G>T on the plus strand (C>A on the coding strand, the complement: RECQL4 is on the minus strand). VCF-style: chr8-144514216-G-T. GRCh37 (hg19) VCF-style: chr8-145739600-G-T.
Other names: c.1755C>A, p.Phe585Leu (NM_001413017.1, NM_001413020.1); c.1851C>A, p.Phe617Leu (NM_001413018.1, NM_001413019.1, NM_001413036.1); c.780C>A, p.Phe260Leu (NM_001413021.1, NM_001413022.1, NM_001413023.1 and 6 more transcripts); c.1722C>A, p.Phe574Leu (NM_001413025.1); c.648C>A, p.Phe216Leu (NM_001413037.1); c.1821C>A, p.Phe607Leu (NM_001413039.1); c.714C>A, p.Phe238Leu (NM_001413041.1, NM_001413027.1, NM_001413030.1 and 1 more transcripts); c.750C>A, p.Phe250Leu (NM_001413042.1); and 4 more; short protein forms F128L, F194L, F216L, F238L, F250L, F260L, F500L, F573L.
Identifiers: ClinVar variation 2420480 (VCV002420480.5), dbSNP rs754403044, ClinGen allele CA372680632.